The following is an entry in ClinVar:

ClinVar aggregate classification (germline): Uncertain significance. Review status: criteria provided, multiple submitters, no conflicts (2 of 4 stars). 2 submissions from 2 submitters: Uncertain significance (2). Last evaluated 2023-11-27.

Conditions:
Renal-hepatic-pancreatic dysplasia 1 (RHPD1). Identifiers: MedGen C3715199, MONDO:0008833, OMIM 208540.
Nephronophthisis 3 (NPHP3). Also called: Adolescent nephronophthisis. Identifiers: Orphanet 655, MedGen C1858392, MONDO:0011456, OMIM 604387.
NPHP3-related Meckel-like syndrome. Also called: GOLDSTON SYNDROME; Meckel syndrome type 7. Identifiers: Orphanet 3032, MedGen C2673885, MONDO:0009966, OMIM 267010.
Nephronophthisis. Also called: Juvenile Nephronophthisis. Identifiers: Orphanet 655, MedGen C0687120, MONDO:0019005, HP:0000090.

Submissions (2):

Labcorp Genetics (formerly Invitae), Labcorp
Classification: Uncertain significance for Nephronophthisis. Last evaluated: 2023-11-27. Review status: criteria provided, single submitter. Criteria: Invitae Variant Classification Sherloc (09022015). Collection method: clinical testing. Allele origin: germline.
Comment: This sequence change replaces lysine, which is basic and polar, with glutamine, which is neutral and polar, at codon 999 of the NPHP3 protein (p.Lys999Gln). This variant is not present in population databases (gnomAD no frequency). This variant has not been reported in the literature in individuals affected with NPHP3-related conditions. ClinVar contains an entry for this variant (Variation ID: 1515837). Advanced modeling of protein sequence and biophysical properties (such as structural, functional, and spatial information, amino acid conservation, physicochemical variation, residue mobility, and thermodynamic stability) performed at Invitae indicates that this missense variant is not expected to disrupt NPHP3 protein function with a negative predictive value of 80%. In summary, the available evidence is currently insufficient to determine the role of this variant in disease. Therefore, it has been classified as a Variant of Uncertain Significance.

Fulgent Genetics
Classification: Uncertain significance for Renal-hepatic-pancreatic dysplasia 1; NPHP3-related Meckel-like syndrome; Nephronophthisis 3. Last evaluated: 2021-10-22. Review status: criteria provided, single submitter. Criteria: ACMG Guidelines, 2015. Collection method: clinical testing. Allele origin: unknown.

NM_153240.5(NPHP3):c.2995A>C (p.Lys999Gln)

Genes: NPHP3 (nephrocystin 3; minus strand), NPHP3-ACAD11 (NPHP3-ACAD11 readthrough (NMD candidate); minus strand). Cytogenetic location: 3q22.1.
Variant type: single nucleotide variant.
Coding change: c.2995A>C on transcript NM_153240.5 (MANE Select); coding-DNA position 2995, A replaced by C.
Protein change: p.Lys999Gln; replaces lysine 999 with glutamine.
Molecular consequence: missense variant. On other transcripts: non-coding transcript variant (1).
Genome position (GRCh38, 1-based): chr3:132,688,780, T>G on the plus strand (A>C on the coding strand, the complement: NPHP3 is on the minus strand). VCF-style: chr3-132688780-T-G. GRCh37 (hg19) VCF-style: chr3-132407624-T-G.
Other names: short protein forms K999Q.
Identifiers: ClinVar variation 1515837 (VCV001515837.7), dbSNP rs559425353, ClinGen allele CA354580013.